The following is an entry in ClinVar:

NM_005257.6(GATA6):c.352C>T (p.Leu118Phe)

Gene: GATA6 (GATA binding protein 6; plus strand). Cytogenetic location: 18q11.2.
Variant type: single nucleotide variant.
Coding change: c.352C>T on transcript NM_005257.6 (MANE Select); coding-DNA position 352, C replaced by T.
Protein change: p.Leu118Phe; replaces leucine 118 with phenylalanine.
Molecular consequence: missense variant.
Genome position (GRCh38, 1-based): chr18:22,171,496, C>T. VCF-style: chr18-22171496-C-T. GRCh37 (hg19) VCF-style: chr18-19751457-C-T.
Other names: short protein forms L118F.
Identifiers: ClinVar variation 572520 (VCV000572520.19), dbSNP rs368297251, ClinGen allele CA8908872.

ClinVar aggregate classification (germline): Conflicting classifications of pathogenicity. Review status: criteria provided, conflicting classifications (1 of 4 stars). 6 submissions from 6 submitters: Uncertain significance (3); Uncertain risk allele (1); Likely benign (2). Last evaluated 2025-12-05.

Conditions:
Atrioventricular septal defect 5 (AVSD5). Identifiers: MedGen C3280939, MONDO:0013769, OMIM 614474.
Monogenic diabetes. Identifiers: Orphanet 183625, MedGen C3888631, MONDO:0015967.
Heart defects, congenital, and other congenital anomalies. Also called: PANCREATIC HYPOPLASIA, CONGENITAL, WITH DIABETES MELLITUS AND CONGENITAL HEART DISEASE; Pancreatic hypoplasia-diabetes-congenital heart disease syndrome. Identifiers: Orphanet 2255, MedGen C2931296, MONDO:0010802, OMIM 600001.

Allele frequency attached by ClinVar (database versions not stated): gnomAD 0.00032 and 0.00028; ExAC 0.00006; 1000 Genomes Project 30x 0.00016; TOPMed 0.00029; gnomAD exomes 0.00006; ESP Exome Variant Server 0.00016.
gnomAD v4.1: 69 of 1,602,262 alleles (0.0043%); highest among the groups gnomAD compares: African/African-American, 0.084%; no homozygotes.

Submissions (6):

Clinical Genomics Laboratory, Washington University in St. Louis
Classification: Uncertain significance for Heart defects, congenital, and other congenital anomalies. Last evaluated: 2025-12-05. Review status: criteria provided, single submitter. Criteria: ACMG Guidelines, 2015. Collection method: clinical testing. Allele origin: germline.
Comment: A GATA6 c.352C>T (p.Leu118Phe) variant was identified in a heterozygous state. This variant has been reported in several individuals affected with diabetes (Allen HL et al., PMID: 22158542; Franko ED et al., PMID: 23223019; Chao CS et al., PMID: 25706805; Gaisl O et al., PMID: 31271559). It has been reported in the ClinVar database as a germline variant of uncertain significance by three submitters and likely benign by one submitter (Variation ID: 572520). It is observed on 22/259,294 alleles in the general population (gnomAD v2.1.1). Computational predictors are uncertain as to the impact of this variant on GATA6 function. Due to limited information, and based on ACMG/AMP guidelines for variant interpretation (Richards S et al., PMID: 25741868), the clinical significance of this variant is uncertain at this time.

Labcorp Genetics (formerly Invitae), Labcorp
Classification: Likely benign for Atrioventricular septal defect 5. Last evaluated: 2025-09-05. Review status: criteria provided, single submitter. Criteria: Invitae Variant Classification Sherloc (09022015). Collection method: clinical testing. Allele origin: germline.

GeneDx
Classification: Uncertain significance. Last evaluated: 2024-11-07. Review status: criteria provided, single submitter. Criteria: GeneDx Variant Classification Process June 2021. Collection method: clinical testing. Allele origin: germline. Affected: yes.
Comment: Has not been previously published as pathogenic or benign to our knowledge; In silico analysis indicates that this missense variant does not alter protein structure/function

Blueprint Genetics
Classification: Likely benign. Last evaluated: 2023-02-20. Review status: criteria provided, single submitter. Criteria: ACMG Guidelines, 2015. Collection method: clinical testing. Allele origin: germline.

Personalized Diabetes Medicine Program, University of Maryland School of Medicine
Classification: Uncertain significance for Monogenic diabetes. Last evaluated: 2018-09-07. Review status: criteria provided, single submitter. Criteria: ACMG Guidelines, 2015. Collection method: research. Allele origin: unknown. Observed: 2 variant alleles, 2 heterozygotes.
Comment: ACMG criteria: N/A (REVEL 0.595 + PP3/8 predictors + BP4/2 predictors= conflicting evidence, not using)=VUS

Clinical Genomics, Uppaluri K&H Personalized Medicine Clinic
Classification: Uncertain risk allele for Heart defects, congenital, and other congenital anomalies. Review status: criteria provided, single submitter. Criteria: K And H Uppaluri Personalized Medicine Clinic Variant Classification And Assertion Criteria Updated V 2. Collection method: research. Allele origin: unknown. Inheritance: Autosomal dominant inheritance.
Comment: Potent mutations in GATA6 gene are associated with neonatal diabetes, decreased insulin production due to pancreatic aplasia or hypoplasia. Also associated with isolated cardiac abnormalities in children, like atrial septal defects.However no sufficient evidence is found to ascertain the role of this particular variant rs368297251 yet.

Literature cited by the submitters: PubMed 25706805 (cited by Clinical Genomics, Uppaluri K&H Personalized Medicine Clinic); PubMed 31271559 (cited by Clinical Genomics, Uppaluri K&H Personalized Medicine Clinic); PubMed 22158542 (cited by Clinical Genomics, Uppaluri K&H Personalized Medicine Clinic); PubMed 23223019 (cited by Clinical Genomics, Uppaluri K&H Personalized Medicine Clinic).